The following is an entry in ClinVar:

NM_206933.4(USH2A):c.2414G>C (p.Gly805Ala)

Genes: USH2A (usherin; minus strand), LOC122152296 (Sharpr-MPRA regulatory region 8762; plus strand). Cytogenetic location: 1q41.
Variant type: single nucleotide variant.
Coding change: c.2414G>C on transcript NM_206933.4 (MANE Select); coding-DNA position 2414, G replaced by C.
Protein change: p.Gly805Ala; replaces glycine 805 with alanine.
Molecular consequence: missense variant.
Genome position (GRCh38, 1-based): chr1:216,246,980, C>G on the plus strand (G>C on the coding strand, the complement: USH2A is on the minus strand). VCF-style: chr1-216246980-C-G. GRCh37 (hg19) VCF-style: chr1-216420322-C-G.
Other names: c.2414G>C, p.Gly805Ala (NM_007123.6); short protein forms G805A.
Identifiers: ClinVar variation 156393 (VCV000156393.12), dbSNP rs587783023, ClinGen allele CA270788.

ClinVar aggregate classification (germline): Uncertain significance. Review status: criteria provided, multiple submitters, no conflicts (2 of 4 stars). 11 submissions from 9 submitters: Uncertain significance (9). 2 of the submissions do not count toward it. Last evaluated 2024-09-27.

Conditions:
Retinal dystrophy. Also called: Inherited retinal dystrophy. Identifiers: Orphanet 71862, MedGen C0854723, MeSH D058499, MONDO:0019118, HP:0000556.
Usher syndrome type 2A. Also called: RETINAL DISEASE IN USHER SYNDROME TYPE IIA, MODIFIER OF; USHER SYNDROME, TYPE IIA. Identifiers: Orphanet 231178, Orphanet 886, MedGen C1848634, MONDO:0010169, OMIM 276901.
Retinitis pigmentosa 39 (RP39). Identifiers: Orphanet 791, MedGen C3151138, MONDO:0013436, OMIM 613809.
Leber congenital amaurosis (LCA). Also called: Leber's amaurosis. Identifiers: Orphanet 65, MedGen C0339527, MeSH D057130, MONDO:0018998.
Retinitis pigmentosa (RP). Identifiers: Orphanet 791, MedGen C0035334, MeSH D012174, MONDO:0019200, OMIM 268000. Inheritance: Autosomal dominant, autosomal recessive and X linked inheritance.

Allele frequency attached by ClinVar (database versions not stated): gnomAD 0.00003; TOPMed 0.00003; ExAC 0.00007; gnomAD exomes 0.00009.
gnomAD v4.1: 76 of 1,613,880 alleles (0.0047%); highest among the groups gnomAD compares: East Asian, 0.16%; no homozygotes.

Submissions (11):

GeneDx
Classification: Uncertain significance. Last evaluated: 2024-09-27. Review status: criteria provided, single submitter. Criteria: GeneDx Variant Classification Process June 2021. Collection method: clinical testing. Allele origin: germline. Affected: yes.
Comment: In silico analysis supports that this missense variant has a deleterious effect on protein structure/function; This variant is associated with the following publications: (PMID: 27057829, 33691693, 25445212)

Genome-Nilou Lab
Classification: Uncertain significance for Retinitis pigmentosa 39. Last evaluated: 2023-11-04. Review status: criteria provided, single submitter. Criteria: ACMG Guidelines, 2015. Collection method: clinical testing. Allele origin: germline. Affected: no.

Genome-Nilou Lab
Classification: Uncertain significance for Usher syndrome type 2A. Last evaluated: 2023-11-04. Review status: criteria provided, single submitter. Criteria: ACMG Guidelines, 2015. Collection method: clinical testing. Allele origin: germline. Affected: no.

Dept Of Ophthalmology, Nagoya University
Classification: Uncertain significance for Retinal dystrophy. Last evaluated: 2023-10-01. Review status: criteria provided, single submitter. Criteria: Submitter's publication. Collection method: research. Allele origin: germline. Affected: yes.

Blueprint Genetics
Classification: Uncertain significance. Last evaluated: 2023-08-31. Review status: criteria provided, single submitter. Criteria: ACMG Guidelines, 2015. Collection method: clinical testing. Allele origin: germline.

Labcorp Genetics (formerly Invitae), Labcorp
Classification: Uncertain significance. Last evaluated: 2022-02-27. Review status: criteria provided, single submitter. Criteria: Invitae Variant Classification Sherloc (09022015). Collection method: clinical testing. Allele origin: germline.
Comment: This sequence change replaces glycine, which is neutral and non-polar, with alanine, which is neutral and non-polar, at codon 805 of the USH2A protein (p.Gly805Ala). This variant is present in population databases (rs587783023, gnomAD 0.1%). This missense change has been observed in individual(s) with USH2A-related conditions (PMID: 25445212, 27057829, 33691693). ClinVar contains an entry for this variant (Variation ID: 156393). Algorithms developed to predict the effect of missense changes on protein structure and function (SIFT, PolyPhen-2, Align-GVGD) all suggest that this variant is likely to be disruptive. In summary, the available evidence is currently insufficient to determine the role of this variant in disease. Therefore, it has been classified as a Variant of Uncertain Significance.

Fulgent Genetics
Classification: Uncertain significance for Usher syndrome type 2A; Retinitis pigmentosa 39. Last evaluated: 2018-10-31. Review status: criteria provided, single submitter. Criteria: ACMG Guidelines, 2015. Collection method: clinical testing. Allele origin: unknown.

Illumina Laboratory Services, Illumina
Classification: Uncertain significance for Usher syndrome type 2A. Last evaluated: 2017-04-27. Review status: criteria provided, single submitter. Criteria: ICSL Variant Classification Criteria 13 December 2019. Collection method: clinical testing. Allele origin: germline.
Comment: This variant was observed as part of a predisposition screen in an ostensibly healthy population. A literature search was performed for the gene, cDNA change, and amino acid change (where applicable). Publications were found based on this search. However, the evidence from the literature, in combination with allele frequency data from public databases where available, was not sufficient to rule this variant in or out of causing disease. Therefore, this variant is classified as a variant of unknown significance.

Illumina Laboratory Services, Illumina
Classification: Uncertain significance for Retinitis pigmentosa. Last evaluated: 2017-04-27. Review status: criteria provided, single submitter. Criteria: ICSL Variant Classification Criteria 13 December 2019. Collection method: clinical testing. Allele origin: germline.
Comment: the same text as in the submission from Illumina Laboratory Services, Illumina above.

Counsyl
Classification: Uncertain significance for Usher syndrome type 2A; Retinitis pigmentosa 39. Last evaluated: 2017-02-09. Review status: no assertion criteria provided. Collection method: clinical testing. Allele origin: unknown. Not counted in ClinVar's aggregate classification.

Molecular Diagnostics Laboratory, Seoul National University Hospital
Classification: Uncertain significance for Leber congenital amaurosis. Last evaluated: 2014-09-18. Review status: no assertion criteria provided. Collection method: clinical testing. Allele origin: unknown. Affected: yes. Not counted in ClinVar's aggregate classification.

Literature cited by the submitters: PubMed 25445212 (cited by 3 submitters); PubMed 27057829 (cited by 3 submitters); PubMed 33691693 (cited by Labcorp Genetics (formerly Invitae), Labcorp).